The following is an entry in ClinVar:

ClinVar aggregate classification (germline): Uncertain significance (1 of 4 stars; one submission).

Conditions:
Hereditary spastic paraplegia 73. Also called: Spastic paraplegia 73, autosomal dominant. Identifiers: Orphanet 444099, MedGen C5568981, MONDO:0014568, OMIM 616282.

Allele frequency attached by ClinVar (database versions not stated): gnomAD exomes 0.00001; gnomAD 0.00001; TOPMed 0.00003; ESP Exome Variant Server 0.00008.
gnomAD v4.1: 23 of 1,614,004 alleles (0.0014%); highest among the groups gnomAD compares: Middle Eastern, 0.016%; 1 homozygote.

Submission:

Labcorp Genetics (formerly Invitae), Labcorp
Classification: Uncertain significance for Hereditary spastic paraplegia 73. Last evaluated: 2023-07-17. Review status: criteria provided, single submitter. Criteria: Invitae Variant Classification Sherloc (09022015). Collection method: clinical testing. Allele origin: germline.
Comment: In summary, the available evidence is currently insufficient to determine the role of this variant in disease. Therefore, it has been classified as a Variant of Uncertain Significance. Algorithms developed to predict the effect of missense changes on protein structure and function output the following: SIFT: "Not Available"; PolyPhen-2: "Benign"; Align-GVGD: "Not Available". The glycine amino acid residue is found in multiple mammalian species, which suggests that this missense change does not adversely affect protein function. ClinVar contains an entry for this variant (Variation ID: 2076948). This variant has not been reported in the literature in individuals affected with CPT1C-related conditions. This variant is not present in population databases (gnomAD no frequency). This sequence change replaces serine, which is neutral and polar, with glycine, which is neutral and non-polar, at codon 24 of the CPT1C protein (p.Ser24Gly).

NM_001199753.2(CPT1C):c.70A>G (p.Ser24Gly)

Gene: CPT1C (carnitine palmitoyltransferase 1C; plus strand). Cytogenetic location: 19q13.33.
Variant type: single nucleotide variant.
Coding change: c.70A>G on transcript NM_001199753.2 (MANE Select); coding-DNA position 70, A replaced by G.
Protein change: p.Ser24Gly; replaces serine 24 with glycine.
Molecular consequence: missense variant. On other transcripts: non-coding transcript variant (1).
Genome position (GRCh38, 1-based): chr19:49,692,322, A>G. VCF-style: chr19-49692322-A-G. GRCh37 (hg19) VCF-style: chr19-50195579-A-G.
Other names: c.70A>G, p.Ser24Gly (NM_001136052.3, NM_001199752.3, NM_001378482.1 and 7 more transcripts); short protein forms S24G.
Identifiers: ClinVar variation 2076948 (VCV002076948.4), dbSNP rs113770380, ClinGen allele CA309499731.